The following is an entry in ClinVar:

ClinVar aggregate classification (germline): Likely pathogenic (0 of 4 stars; one submission).

Conditions:
VWF-related disorder. Also called: VWF-related condition; VWF-related disorders.

Submission:

PreventionGenetics, part of Exact Sciences
Classification: Likely pathogenic for VWF-related condition. Last evaluated: 2024-06-04. Review status: no assertion criteria provided. Collection method: clinical testing. Allele origin: germline.
Comment: The VWF c.4019T>C variant is predicted to result in the amino acid substitution p.Leu1340Pro. This variant was reported in an individual with von Willebrand disease type 2B (Table 2, Favaloro et al. 2011. PubMed ID: 22102198). This variant has not been reported in a large population database, indicating this variant is rare. This variant was observed in two affected individuals with von Willebrand disease in a family (internal data at PreventionGenetics). A different missense change impacting the same amino acid (p.Leu1340Arg) has been reported in a patient with von Willebrand disease type 2B (Table 1, Yadegari et al. 2021. PubMed ID: 33942438). This variant is interpreted as likely pathogenic.

NM_000552.5(VWF):c.4019T>C (p.Leu1340Pro)

Gene: VWF (von Willebrand factor; minus strand). Cytogenetic location: 12p13.31.
Variant type: single nucleotide variant.
Coding change: c.4019T>C on transcript NM_000552.5 (MANE Select); coding-DNA position 4019, T replaced by C.
Protein change: p.Leu1340Pro; replaces leucine 1340 with proline.
Molecular consequence: missense variant.
Genome position (GRCh38, 1-based): chr12:6,019,399, A>G on the plus strand (T>C on the coding strand, the complement: VWF is on the minus strand). VCF-style: chr12-6019399-A-G. GRCh37 (hg19) VCF-style: chr12-6128565-A-G.
Other names: short protein forms L1340P.
Identifiers: ClinVar variation 3061402 (VCV003061402.2), dbSNP rs2497516912, ClinGen allele CA383505745.